The following is an entry in ClinVar:

ClinVar aggregate classification (germline): Uncertain significance (1 of 4 stars; one submission).

Conditions:
Nemaline myopathy 2 (NEM2). Also called: Nemaline myopathy 2, autosomal recessive. Identifiers: MedGen C1850569, MONDO:0009725, OMIM 256030.

Allele frequency attached by ClinVar (database versions not stated): gnomAD exomes below 0.00001.
gnomAD v4.1: 3 of 1,608,536 alleles (0.00019%); highest among the groups gnomAD compares: Admixed American, 0.0017%; no homozygotes.

Submission:

Labcorp Genetics (formerly Invitae), Labcorp
Classification: Uncertain significance for Nemaline myopathy 2. Last evaluated: 2022-01-23. Review status: criteria provided, single submitter. Criteria: Invitae Variant Classification Sherloc (09022015). Collection method: clinical testing. Allele origin: germline.
Comment: This sequence change falls in intron 27 of the NEB gene. It does not directly change the encoded amino acid sequence of the NEB protein. It affects a nucleotide within the consensus splice site. This variant is not present in population databases (gnomAD no frequency). This variant has not been reported in the literature in individuals affected with NEB-related conditions. Variants that disrupt the consensus splice site are a relatively common cause of aberrant splicing (PMID: 17576681, 9536098). Algorithms developed to predict the effect of sequence changes on RNA splicing suggest that this variant may disrupt the consensus splice site. In summary, the available evidence is currently insufficient to determine the role of this variant in disease. Therefore, it has been classified as a Variant of Uncertain Significance.

Literature cited by the submitters: PubMed 17576681; PubMed 9536098.

NM_001164508.2(NEB):c.2637+3G>C

Gene: NEB (nebulin; minus strand). Cytogenetic location: 2q23.3.
Variant type: single nucleotide variant.
Coding change: c.2637+3G>C on transcript NM_001164508.2 (MANE Select); 3 bases into the intron after coding-DNA position 2637, G replaced by C.
Molecular consequence: intron variant.
Genome position (GRCh38, 1-based): chr2:151,687,416, C>G on the plus strand (G>C on the coding strand, the complement: NEB is on the minus strand). VCF-style: chr2-151687416-C-G. GRCh37 (hg19) VCF-style: chr2-152543930-C-G.
Other names: c.2637+3G>C (NM_004543.5, NM_001164507.2, NM_001271208.2).
Identifiers: ClinVar variation 2158786 (VCV002158786.1), dbSNP rs1559251567, ClinGen allele CA1298296820.